The following is an entry in ClinVar:

NM_005445.4(SMC3):c.837A>G (p.Thr279=)

Gene: SMC3 (structural maintenance of chromosomes 3; plus strand). Cytogenetic location: 10q25.2.
Variant type: single nucleotide variant.
Coding change: c.837A>G on transcript NM_005445.4 (MANE Select); coding-DNA position 837, A replaced by G.
Protein change: p.Thr279=; no amino-acid change (threonine 279 retained).
Molecular consequence: synonymous variant.
Genome position (GRCh38, 1-based): chr10:110,583,416, A>G. VCF-style: chr10-110583416-A-G. GRCh37 (hg19) VCF-style: chr10-112343174-A-G.
Identifiers: ClinVar variation 589701 (VCV000589701.14), dbSNP rs151335692, ClinGen allele CA5687840.
Genomic context (GRCh38, chr10:110,583,416, plus strand): 5'-TTATTTTCTGTTTAATACTTTTGAATAGGATATCGAACGCCAAGTTAGAGAATTGAAAAC[A>G]AAAATTTCAGCTATGAAAGAAGAAAAAGAACAGCTTAGTGCTGAAAGACAAGAGCAGATT-3'
Protein context (NP_005436.1, residues 269-289): DIERQVRELK[Thr279=]KISAMKEEKE

ClinVar aggregate classification (germline): Likely benign. Review status: criteria provided, multiple submitters, no conflicts (2 of 4 stars). 6 submissions from 6 submitters: Likely benign (5). 1 of the submissions does not count toward it. Last evaluated 2026-06-01.

Conditions:
Inborn genetic diseases. Identifiers: MedGen C0950123, MeSH D030342.
SMC3-related disorder. Also called: SMC3-related condition.
Cornelia de Lange syndrome 3 (CDLS3). Also called: CORNELIA DE LANGE SYNDROME 3 WITH OR WITHOUT MIDLINE BRAIN DEFECTS; SMC3-Related Cornelia de Lange Syndrome. Identifiers: Orphanet 199, MedGen C1853099, MONDO:0012555, OMIM 610759.

Allele frequency attached by ClinVar (database versions not stated): 1000 Genomes Project 30x 0.00016; gnomAD 0.00018; gnomAD exomes 0.00018 and 0.00051; 1000 Genomes Project 0.00020; TOPMed 0.00020; ExAC 0.00013; ESP Exome Variant Server 0.00015.
gnomAD v4.1: 763 of 1,614,042 alleles (0.047%); highest among the groups gnomAD compares: Non-Finnish European, 0.062%; no homozygotes.

Submissions (6):

CeGaT Center for Human Genetics Tuebingen
Classification: Likely benign. Last evaluated: 2026-06-01. Review status: criteria provided, single submitter. Criteria: CeGaT Center For Human Genetics Tuebingen Variant Classification Criteria Version 2. Collection method: clinical testing. Allele origin: germline. Affected: yes. Observed: 1 variant allele.
Comment: SMC3: BP4, BP7

Labcorp Genetics (formerly Invitae), Labcorp
Classification: Likely benign for Cornelia de Lange syndrome 3. Last evaluated: 2025-07-27. Review status: criteria provided, single submitter. Criteria: Invitae Variant Classification Sherloc (09022015). Collection method: clinical testing. Allele origin: germline.

Blueprint Genetics
Classification: Likely benign. Last evaluated: 2024-08-06. Review status: criteria provided, single submitter. Criteria: ACMG Guidelines, 2015. Collection method: clinical testing. Allele origin: germline.

Ambry Genetics
Classification: Likely benign for Inborn genetic diseases. Last evaluated: 2016-11-18. Review status: criteria provided, single submitter. Criteria: Ambry Variant Classification Scheme 2023. Collection method: clinical testing. Allele origin: germline.

Breakthrough Genomics
Classification: Likely benign. Review status: criteria provided, single submitter. Criteria: ACMG Guidelines, 2015. Collection method: not provided. Allele origin: germline. Inheritance: Autosomal dominant inheritance. Affected: yes.

PreventionGenetics, part of Exact Sciences
Classification: Likely benign for SMC3-related condition. Last evaluated: 2019-08-02. Review status: no assertion criteria provided. Collection method: clinical testing. Allele origin: germline. Not counted in ClinVar's aggregate classification.
Comment: This variant is classified as likely benign based on ACMG/AMP sequence variant interpretation guidelines (Richards et al. 2015 PMID: 25741868, with internal and published modifications).